The following is an entry in ClinVar:

NM_032043.3(BRIP1):c.627+3A>C

Gene: BRIP1 (BRCA1 interacting DNA helicase 1; minus strand). Cytogenetic location: 17q23.2.
Variant type: single nucleotide variant.
Coding change: c.627+3A>C on transcript NM_032043.3 (MANE Select); 3 bases into the intron after coding-DNA position 627, A replaced by C.
Molecular consequence: intron variant.
Genome position (GRCh38, 1-based): chr17:61,847,098, T>G on the plus strand (A>C on the coding strand, the complement: BRIP1 is on the minus strand). VCF-style: chr17-61847098-T-G. GRCh37 (hg19) VCF-style: chr17-59924459-T-G.
Identifiers: ClinVar variation 4630745 (VCV004630745.1).

ClinVar aggregate classification (germline): Uncertain significance (1 of 4 stars; one submission).

Conditions:
Hereditary cancer-predisposing syndrome. Also called: Neoplastic Syndromes, Hereditary; Tumor predisposition; Hereditary Cancer Syndrome; Hereditary neoplastic syndrome. Identifiers: Orphanet 140162, MedGen C0027672, MeSH D009386, MONDO:0015356.

gnomAD v4.1: 2 of 1,613,870 alleles (0.00012%); highest among the groups gnomAD compares: Non-Finnish European, 0.00017%; no homozygotes.

Submission:

Ambry Genetics
Classification: Uncertain significance for Hereditary cancer-predisposing syndrome. Last evaluated: 2025-09-15. Review status: criteria provided, single submitter. Criteria: Ambry Variant Classification Scheme 2023. Collection method: clinical testing. Allele origin: germline.
Comment: The c.627+3A>C intronic variant results from an A to C substitution 3 nucleotides after coding exon 5 in the BRIP1 gene. This nucleotide position is highly conserved in available vertebrate species. In silico splice site analysis predicts that this alteration will weaken the native splice donor site; however, direct evidence is insufficient at this time (Ambry internal data). Based on the available evidence, the clinical significance of this variant remains unclear.